The following is an entry in ClinVar:

ClinVar aggregate classification (germline): Uncertain significance. Review status: criteria provided, single submitter (1 of 4 stars). 2 submissions from 2 submitters: Uncertain significance (1). 1 of the submissions does not count toward it. Last evaluated 2024-12-09.

Conditions:
ASXL2-related disorder. Also called: ASXL2-related condition.

Allele frequency attached by ClinVar (database versions not stated): gnomAD 0.00001; TOPMed 0.00002; ExAC 0.00003.
gnomAD v4.1: 6 of 1,613,782 alleles (0.00037%); highest among the groups gnomAD compares: Admixed American, 0.01%; no homozygotes.

Submissions (2):

Labcorp Genetics (formerly Invitae), Labcorp
Classification: Uncertain significance. Last evaluated: 2024-12-09. Review status: criteria provided, single submitter. Criteria: Invitae Variant Classification Sherloc (09022015). Collection method: clinical testing. Allele origin: germline.
Comment: This sequence change replaces glutamine, which is neutral and polar, with arginine, which is basic and polar, at codon 1018 of the ASXL2 protein (p.Gln1018Arg). This variant is present in population databases (rs758650452, gnomAD 0.02%). This variant has not been reported in the literature in individuals affected with ASXL2-related conditions. ClinVar contains an entry for this variant (Variation ID: 2166440). Experimental studies and prediction algorithms are not available or were not evaluated, and the functional significance of this variant is currently unknown. In summary, the available evidence is currently insufficient to determine the role of this variant in disease. Therefore, it has been classified as a Variant of Uncertain Significance.

PreventionGenetics, part of Exact Sciences
Classification: Likely benign for ASXL2-related condition. Last evaluated: 2023-11-17. Review status: no assertion criteria provided. Collection method: clinical testing. Allele origin: germline. Not counted in ClinVar's aggregate classification.
Comment: This variant is classified as likely benign based on ACMG/AMP sequence variant interpretation guidelines (Richards et al. 2015 PMID: 25741868, with internal and published modifications).

NM_018263.6(ASXL2):c.3053A>G (p.Gln1018Arg)

Gene: ASXL2 (ASXL transcriptional regulator 2; minus strand). Cytogenetic location: 2p23.3.
Variant type: single nucleotide variant.
Coding change: c.3053A>G on transcript NM_018263.6 (MANE Select); coding-DNA position 3053, A replaced by G.
Protein change: p.Gln1018Arg; replaces glutamine 1018 with arginine.
Molecular consequence: missense variant.
Genome position (GRCh38, 1-based): chr2:25,743,284, T>C on the plus strand (A>G on the coding strand, the complement: ASXL2 is on the minus strand). VCF-style: chr2-25743284-T-C. GRCh37 (hg19) VCF-style: chr2-25966153-T-C.
Other names: c.2879A>G, p.Gln960Arg (NM_001369346.1); c.2273A>G, p.Gln758Arg (NM_001369347.1); c.3053A>G (NM_018263.4); short protein forms Q1018R, Q960R, Q758R.
Identifiers: ClinVar variation 2166440 (VCV002166440.5), dbSNP rs758650452, ClinGen allele CA1557539.